The following is an entry in ClinVar:

ClinVar aggregate classification (germline): Uncertain significance (1 of 4 stars; one submission).

Conditions:
Dyskeratosis congenita, autosomal dominant 1 (DKCA1). Also called: Dyskeratosis congenita Scoggins type. Identifiers: Orphanet 1775, MedGen C4551974, MONDO:0007485, OMIM 127550. Inheritance: Variable.

Submission:

Labcorp Genetics (formerly Invitae), Labcorp
Classification: Uncertain significance for Dyskeratosis congenita, autosomal dominant 1. Last evaluated: 2022-03-06. Review status: criteria provided, single submitter. Criteria: Invitae Variant Classification Sherloc (09022015). Collection method: clinical testing. Allele origin: germline.
Comment: This variant is located in a region of TERC in which a significant number of disease causing variants have been reported (PMID: 15082312, 21844345, 21931702). These observations suggest that this may be a clinically significant region. In summary, the available evidence is currently insufficient to determine the role of this variant in disease. Therefore, it has been classified as a Variant of Uncertain Significance. This variant is located within the template/pseudoknot domain of the TERC RNA component, which is required for RNA or RNP stability (PMID: 15082312, 21844345). This variant has not been reported in the literature in individuals affected with TERC-related conditions. This variant is not present in population databases (gnomAD no frequency). This variant occurs in the TERC gene, which encodes an RNA molecule that does not result in a protein product.

Literature cited by the submitters: PubMed 15082312; PubMed 21844345; PubMed 21931702.

NC_000003.12:g.169765018A>G

Genes: TERC (telomerase RNA component; minus strand), LOC110806306 (telomerase RNA component (TERC) promoter; plus strand). Cytogenetic location: 3q26.2.
Variant type: single nucleotide variant.
Genome position: GRCh38 VCF-style: chr3-169765018-A-G. GRCh37 (hg19) VCF-style: chr3-169482806-A-G.
Identifiers: ClinVar variation 2099633 (VCV002099633.4), dbSNP rs1553915624, ClinGen allele CA436715971.